The following is an entry in ClinVar:

ClinVar aggregate classification (germline): Benign/Likely benign. Review status: criteria provided, multiple submitters, no conflicts (2 of 4 stars). 8 submissions from 8 submitters: Benign (4); Likely benign (1). 3 of the submissions do not count toward it. Last evaluated 2026-02-02.

Conditions:
Polyglandular autoimmune syndrome, type 1 (APS1). Also called: Autoimmune polyendocrinopathy syndrome, type I; Autoimmune polyendocrine syndrome type 1; Autoimmune polyendocrinopathy syndrome , type I, with or without reversible metaphyseal dysplasia; AUTOIMMUNE POLYENDOCRINE SYNDROME, TYPE I, WITH OR WITHOUT REVERSIBLE METAPHYSEAL DYSPLASIA; HYPOADRENOCORTICISM WITH HYPOPARATHYROIDISM AND SUPERFICIAL MONILIASIS; PGA I. Identifiers: Orphanet 3453, MedGen C0085859, MONDO:0009411, OMIM 240300.

Allele frequency attached by ClinVar (database versions not stated): gnomAD exomes 0.00098 and 0.00039; ExAC 0.00112; gnomAD 0.00384 and 0.00411; ESP Exome Variant Server 0.00415; TOPMed 0.00464; 1000 Genomes Project 0.00519; 1000 Genomes Project 30x 0.00531.

Submissions (8):

Labcorp Genetics (formerly Invitae), Labcorp
Classification: Benign for Polyglandular autoimmune syndrome, type 1. Last evaluated: 2026-02-02. Review status: criteria provided, single submitter. Criteria: Invitae Variant Classification Sherloc (09022015). Collection method: clinical testing. Allele origin: germline.

Mayo Clinic Laboratories, Mayo Clinic
Classification: Benign. Last evaluated: 2025-04-24. Review status: criteria provided, single submitter. Criteria: ACMG Guidelines, 2015. Collection method: clinical testing. Allele origin: germline. Observed: 1 variant allele.
Comment: BS1, BS2, BP4

Blueprint Genetics
Classification: Likely benign. Last evaluated: 2024-11-25. Review status: criteria provided, single submitter. Criteria: ACMG Guidelines, 2015. Collection method: clinical testing. Allele origin: germline.

Genetic Services Laboratory, University of Chicago
Classification: Benign for AllHighlyPenetrant. Last evaluated: 2013-09-05. Review status: criteria provided, single submitter. Criteria: ACMG Guidelines, 2007. Collection method: clinical testing. Allele origin: germline. Inheritance: Autosomal recessive inheritance.

Breakthrough Genomics
Classification: Benign. Review status: criteria provided, single submitter. Criteria: ACMG Guidelines, 2015. Collection method: not provided. Allele origin: germline. Inheritance: Autosomal recessive inheritance. Affected: yes.

Clinical Genetics DNA and cytogenetics Diagnostics Lab, Erasmus MC, Erasmus Medical Center
Classification: Benign. Review status: no assertion criteria provided. Collection method: clinical testing. Allele origin: germline. Affected: yes. Study: VKGL Data-share Consensus. Not counted in ClinVar's aggregate classification.

Genome Diagnostics Laboratory, University Medical Center Utrecht
Classification: Benign. Review status: no assertion criteria provided. Collection method: clinical testing. Allele origin: germline. Affected: yes. Study: VKGL Data-share Consensus. Not counted in ClinVar's aggregate classification.

Laboratory of Diagnostic Genome Analysis, Leiden University Medical Center (LUMC)
Classification: Likely benign. Review status: no assertion criteria provided. Collection method: clinical testing. Allele origin: germline. Affected: yes. Study: VKGL Data-share Consensus. Not counted in ClinVar's aggregate classification.

NM_000383.4(AIRE):c.548C>A (p.Thr183Asn)

Gene: AIRE (autoimmune regulator; plus strand). Cytogenetic location: 21q22.3.
Variant type: single nucleotide variant.
Coding change: c.548C>A on transcript NM_000383.4 (MANE Select); coding-DNA position 548, C replaced by A.
Protein change: p.Thr183Asn; replaces threonine 183 with asparagine.
Molecular consequence: missense variant.
Genome position (GRCh38, 1-based): chr21:44,288,354, C>A. VCF-style: chr21-44288354-C-A. GRCh37 (hg19) VCF-style: chr21-45708237-C-A.
Other names: p.Thr183Asn; c.548C>A (LRG_18t1); short protein forms T183N.
Identifiers: ClinVar variation 128333 (VCV000128333.22), dbSNP rs34219046, ClinGen allele CA151723.